The following is an entry in ClinVar:

NM_003002.4(SDHD):c.5C>G (p.Ala2Gly)

Genes: SDHD (succinate dehydrogenase complex subunit D; plus strand), LOC126861339 (BRD4-independent group 4 enhancer GRCh37_chr11:111957035-111958234; plus strand). Cytogenetic location: 11q23.1.
Variant type: single nucleotide variant.
Coding change: c.5C>G on transcript NM_003002.4 (MANE Select); coding-DNA position 5, C replaced by G.
Protein change: p.Ala2Gly; replaces alanine 2 with glycine.
Molecular consequence: missense variant. On other transcripts: non-coding transcript variant (1).
Genome position (GRCh38, 1-based): chr11:112,086,912, C>G. VCF-style: chr11-112086912-C-G. GRCh37 (hg19) VCF-style: chr11-111957636-C-G.
Other names: c.5C>G, p.Ala2Gly (NM_001276503.2, NM_001276504.2, NM_001276506.2); c.5C>G (NM_003002.2); short protein forms A2G.
Identifiers: ClinVar variation 579473 (VCV000579473.7), dbSNP rs1440670464, ClinGen allele CA382616614.

ClinVar aggregate classification (germline): Uncertain significance. Review status: criteria provided, multiple submitters, no conflicts (2 of 4 stars). 2 submissions from 2 submitters: Uncertain significance (2). Last evaluated 2026-01-25.

Conditions:
Carney-Stratakis syndrome. Also called: PARAGANGLIOMA AND GASTROINTESTINAL STROMAL TUMOR. Identifiers: Orphanet 97286, MedGen C1847319, MONDO:0011740, OMIM 606864.
Pheochromocytoma. Also called: MAX-Related Hereditary Paraganglioma-Pheochromocytoma Syndrome. Identifiers: Orphanet 29072, MedGen C0031511, MONDO:0008233, OMIM 171300, HP:0002666.
Paragangliomas with sensorineural hearing loss. Identifiers: MedGen C1868633.
Cowden syndrome 3 (CWS3). Identifiers: Orphanet 201, MedGen CN166604, MONDO:0014045.
Hereditary cancer-predisposing syndrome. Also called: Neoplastic Syndromes, Hereditary; Hereditary neoplastic syndrome; Tumor predisposition; Hereditary Cancer Syndrome. Identifiers: Orphanet 140162, MedGen C0027672, MeSH D009386, MONDO:0015356.

Submissions (2):

Ambry Genetics
Classification: Uncertain significance for Hereditary cancer-predisposing syndrome. Last evaluated: 2026-01-25. Review status: criteria provided, single submitter. Criteria: Ambry Variant Classification Scheme 2023. Collection method: clinical testing. Allele origin: germline.
Comment: The p.A2G variant (also known as c.5C>G), located in coding exon 1 of the SDHD gene, results from a C to G substitution at nucleotide position 5. The alanine at codon 2 is replaced by glycine, an amino acid with similar properties. This amino acid position is conserved. In addition, the in silico prediction for this alteration is inconclusive. Based on the available evidence, the clinical significance of this variant remains unclear.

Labcorp Genetics (formerly Invitae), Labcorp
Classification: Uncertain significance for Carney-Stratakis syndrome; Paragangliomas with sensorineural hearing loss; Pheochromocytoma; Cowden syndrome 3. Last evaluated: 2024-05-06. Review status: criteria provided, single submitter. Criteria: Invitae Variant Classification Sherloc (09022015). Collection method: clinical testing. Allele origin: germline.
Comment: This sequence change replaces alanine, which is neutral and non-polar, with glycine, which is neutral and non-polar, at codon 2 of the SDHD protein (p.Ala2Gly). This variant is not present in population databases (gnomAD no frequency). This variant has not been reported in the literature in individuals affected with SDHD-related conditions. ClinVar contains an entry for this variant (Variation ID: 579473). Advanced modeling of protein sequence and biophysical properties (such as structural, functional, and spatial information, amino acid conservation, physicochemical variation, residue mobility, and thermodynamic stability) performed at Invitae indicates that this missense variant is not expected to disrupt SDHD protein function with a negative predictive value of 95%. In summary, the available evidence is currently insufficient to determine the role of this variant in disease. Therefore, it has been classified as a Variant of Uncertain Significance.